The following is an entry in ClinVar:

NM_000540.3(RYR1):c.2549T>C (p.Phe850Ser)

Gene: RYR1 (ryanodine receptor 1; plus strand). Cytogenetic location: 19q13.2.
Variant type: single nucleotide variant.
Coding change: c.2549T>C on transcript NM_000540.3 (MANE Select); coding-DNA position 2549, T replaced by C.
Protein change: p.Phe850Ser; replaces phenylalanine 850 with serine.
Molecular consequence: missense variant.
Genome position (GRCh38, 1-based): chr19:38,460,563, T>C. VCF-style: chr19-38460563-T-C. GRCh37 (hg19) VCF-style: chr19-38951203-T-C.
Other names: c.2549T>C, p.Phe850Ser (NM_001042723.2); short protein forms F850S.
Identifiers: ClinVar variation 3074523 (VCV003074523.1), dbSNP rs2514056214, ClinGen allele CA405630251.

ClinVar aggregate classification (germline): Uncertain significance (1 of 4 stars; one submission).

Conditions:
Malignant hyperthermia, susceptibility to, 1 (MHS1). Also called: Anesthesia related hyperthermia; Malignant hyperpyrexia; Fulminating hyperpyrexia; Pharmacogenic myopathy; RYR1-Related Malignant Hyperthermia Susceptibility; Malignant hyperthermia suceptibility 1. Identifiers: Orphanet 423, MedGen C2930980, MONDO:0007783, OMIM 145600.

Submission:

All of Us Research Program, National Institutes of Health
Classification: Uncertain significance for Malignant hyperthermia, susceptibility to, 1. Last evaluated: 2023-11-20. Review status: criteria provided, single submitter. Criteria: ACMG Guidelines, 2015. Collection method: clinical testing. Allele origin: germline. Inheritance: Autosomal dominant inheritance. Observed: 1 variant allele, 1 heterozygote.
Comment: This missense variant replaces phenylalanine with serine at codon 850 of the RYR1 protein. Computational prediction suggests that this variant may have deleterious impact on protein structure and function (internally defined REVEL score threshold >= 0.7, PMID: 27666373). To our knowledge, functional studies have not been reported for this variant. This variant has not been reported in individuals affected with RYR1-related disorders in the literature. This variant has not been identified in the general population by the Genome Aggregation Database (gnomAD). The available evidence is insufficient to determine the role of this variant in disease conclusively. Therefore, this variant is classified as a Variant of Uncertain Significance.

This study involves interpretation of variants in research participants for the purpose of population health screening. Participant phenotype was not available at the time of variant classification. Additional details can be found in publication PMID: 35346344, PMCID: PMC8962531